The following is an entry in ClinVar:

ClinVar aggregate classification (germline): Uncertain significance. Review status: criteria provided, multiple submitters, no conflicts (2 of 4 stars). 2 submissions from 2 submitters: Uncertain significance (2). Last evaluated 2026-01-12.

Conditions:
Inborn genetic diseases. Identifiers: MedGen C0950123, MeSH D030342.
Charcot-Marie-Tooth disease type 2. Also called: Charcot-Marie-Tooth type 2. Identifiers: Orphanet 64746, MedGen C0270914, MONDO:0018993.

Allele frequency attached by ClinVar (database versions not stated): gnomAD exomes 0.00001; ExAC 0.00001.
gnomAD v4.1: 2 of 1,613,976 alleles (0.00012%); highest among the groups gnomAD compares: Admixed American, 0.0033%; no homozygotes.

Submissions (2):

Labcorp Genetics (formerly Invitae), Labcorp
Classification: Uncertain significance for Charcot-Marie-Tooth disease type 2. Last evaluated: 2026-01-12. Review status: criteria provided, single submitter. Criteria: Invitae Variant Classification Sherloc (09022015). Collection method: clinical testing. Allele origin: germline.
Comment: This sequence change replaces arginine, which is basic and polar, with methionine, which is neutral and non-polar, at codon 445 of the AARS protein (p.Arg445Met). This variant is present in population databases (rs776515117, gnomAD 0.006%). This variant has not been reported in the literature in individuals affected with AARS-related conditions. ClinVar contains an entry for this variant (Variation ID: 568018). Invitae Evidence Modeling of protein sequence and biophysical properties (such as structural, functional, and spatial information, amino acid conservation, physicochemical variation, residue mobility, and thermodynamic stability) indicates that this missense variant is not expected to disrupt AARS protein function with a negative predictive value of 95%. In summary, the available evidence is currently insufficient to determine the role of this variant in disease. Therefore, it has been classified as a Variant of Uncertain Significance.

Ambry Genetics
Classification: Uncertain significance for Inborn genetic diseases. Last evaluated: 2025-09-11. Review status: criteria provided, single submitter. Criteria: Ambry Variant Classification Scheme 2023. Collection method: clinical testing. Allele origin: germline.

NM_001605.3(AARS1):c.1334G>T (p.Arg445Met)

Gene: AARS1 (alanyl-tRNA synthetase 1; minus strand). Cytogenetic location: 16q22.1.
Variant type: single nucleotide variant.
Coding change: c.1334G>T on transcript NM_001605.3 (MANE Select); coding-DNA position 1334, G replaced by T.
Protein change: p.Arg445Met; replaces arginine 445 with methionine.
Molecular consequence: missense variant.
Genome position (GRCh38, 1-based): chr16:70,265,551, C>A on the plus strand (G>T on the coding strand, the complement: AARS1 is on the minus strand). VCF-style: chr16-70265551-C-A. GRCh37 (hg19) VCF-style: chr16-70299454-C-A.
Other names: short protein forms R445M.
Identifiers: ClinVar variation 568018 (VCV000568018.9), dbSNP rs776515117, ClinGen allele CA8140855.